The following is an entry in ClinVar:

ClinVar aggregate classification (germline): Benign/Likely benign. Review status: criteria provided, multiple submitters, no conflicts (2 of 4 stars). 5 submissions from 5 submitters: Benign (1); Likely benign (4). Last evaluated 2025-08-09.

Conditions:
Familial adenomatous polyposis 1 (FAP1). Also called: FAMILIAL ADENOMATOUS POLYPOSIS 1, ATTENUATED; POLYPOSIS, ADENOMATOUS INTESTINAL. Identifiers: MedGen C2713442, MONDO:0021056, OMIM 175100. Disease mechanism: loss of function.
Classic or attenuated familial adenomatous polyposis. Identifiers: MedGen CN372698, MONDO:0021057.
Hereditary cancer-predisposing syndrome. Also called: Tumor predisposition; Hereditary Cancer Syndrome; Neoplastic Syndromes, Hereditary; Hereditary neoplastic syndrome. Identifiers: Orphanet 140162, MedGen C0027672, MeSH D009386, MONDO:0015356.

Allele frequency attached by ClinVar (database versions not stated): gnomAD 0.00001; TOPMed 0.00001.
gnomAD v4.1: 1 of 1,613,898 alleles (0.000062%); highest among the groups gnomAD compares: Non-Finnish European, 0.000085%; no homozygotes.

Submissions (5):

Labcorp Genetics (formerly Invitae), Labcorp
Classification: Likely benign for Familial adenomatous polyposis 1. Last evaluated: 2025-08-09. Review status: criteria provided, single submitter. Criteria: Invitae Variant Classification Sherloc (09022015). Collection method: clinical testing. Allele origin: germline.

All of Us Research Program, National Institutes of Health
Classification: Likely benign for Classic or attenuated familial adenomatous polyposis. Last evaluated: 2024-04-25. Review status: criteria provided, single submitter. Criteria: ACMG Guidelines, 2015. Collection method: clinical testing. Allele origin: germline. Inheritance: Autosomal dominant inheritance. Observed: 2 variant alleles, 2 heterozygotes.
Comment: This study involves interpretation of variants in research participants for the purpose of population health screening. Participant phenotype was not available at the time of variant classification. Additional details can be found in publication PMID: 35346344, PMCID: PMC8962531

Myriad Genetics, Inc.
Classification: Benign for Familial adenomatous polyposis 1. Last evaluated: 2024-03-26. Review status: criteria provided, single submitter. Criteria: Myriad Autosomal Dominant, Autosomal Recessive and X-Linked Classification Criteria (2023). Collection method: clinical testing. Allele origin: unknown.
Comment: This variant is considered benign. This variant is a silent/synonymous amino acid change and it is not expected to impact splicing.

Ambry Genetics
Classification: Likely benign for Hereditary cancer-predisposing syndrome. Last evaluated: 2020-03-30. Review status: criteria provided, single submitter. Criteria: Ambry Variant Classification Scheme 2023. Collection method: clinical testing. Allele origin: germline.

Color Diagnostics, LLC DBA Color Health
Classification: Likely benign for Hereditary cancer-predisposing syndrome. Last evaluated: 2017-11-20. Review status: criteria provided, single submitter. Criteria: ACMG Guidelines, 2015. Collection method: clinical testing. Allele origin: germline.

NM_000038.6(APC):c.4278C>T (p.Ser1426=)

Gene: APC (APC regulator of Wnt signaling pathway; plus strand). Cytogenetic location: 5q22.2.
Variant type: single nucleotide variant.
Coding change: c.4278C>T on transcript NM_000038.6 (MANE Select); coding-DNA position 4278, C replaced by T.
Protein change: p.Ser1426=; no amino-acid change (serine 1426 retained).
Molecular consequence: synonymous variant.
Genome position (GRCh38, 1-based): chr5:112,839,872, C>T. VCF-style: chr5-112839872-C-T. GRCh37 (hg19) VCF-style: chr5-112175569-C-T.
Other names: c.4278C>T, p.Ser1426= (NM_001127510.3, NM_001354895.2); c.4224C>T, p.Ser1408= (NM_001127511.3); c.4332C>T, p.Ser1444= (NM_001354896.2); c.4308C>T, p.Ser1436= (NM_001354897.2); c.4203C>T, p.Ser1401= (NM_001354898.2); c.4194C>T, p.Ser1398= (NM_001354899.2); c.4155C>T, p.Ser1385= (NM_001354900.2); c.4101C>T, p.Ser1367= (NM_001354901.2); and 5 more.
Identifiers: ClinVar variation 627821 (VCV000627821.17), dbSNP rs1383334936, ClinGen allele CA445964430.